The following is an entry in ClinVar:

NM_001370658.1(BTD):c.817G>C (p.Gly273Arg)

Gene: BTD (biotinidase; plus strand). Cytogenetic location: 3p25.1.
Variant type: single nucleotide variant.
Coding change: c.817G>C on transcript NM_001370658.1 (MANE Select); coding-DNA position 817, G replaced by C.
Protein change: p.Gly273Arg; replaces glycine 273 with arginine.
Molecular consequence: missense variant. On other transcripts: intron variant (1).
Genome position (GRCh38, 1-based): chr3:15,644,733, G>C. VCF-style: chr3-15644733-G-C. GRCh37 (hg19) VCF-style: chr3-15686240-G-C.
Other names: c.817G>C, p.Gly273Arg (NM_001407378.1, NM_001407379.1, NM_001281723.4 and 18 more transcripts); c.399+2676G>C (NM_001370753.1); c.877G>C, p.Gly293Arg (NM_000060.4); short protein forms G273R.
Identifiers: ClinVar variation 429412 (VCV000429412.17), dbSNP rs762757117, ClinGen allele CA2277389.
Genomic context (GRCh38, chr3:15,644,733, plus strand): 5'-ATGAACCAGCTCCCACTCTTGGCAGCAATTGAGATTCAGAAAGCTTTTGCTGTTGCCTTT[G>C]GCATCAACGTTCTGGCAGCTAATGTCCACCACCCAGTTCTGGGGATGACAGGAAGTGGCA-3'
Protein context (NP_001357587.1, residues 263-283): EIQKAFAVAF[Gly273Arg]INVLAANVHH

ClinVar aggregate classification (germline): Uncertain significance. Review status: criteria provided, multiple submitters, no conflicts (2 of 4 stars). 5 submissions from 5 submitters: Uncertain significance (4). 1 of the submissions does not count toward it. Last evaluated 2025-04-11.

Conditions:
Inborn genetic diseases. Identifiers: MedGen C0950123, MeSH D030342.
Biotinidase deficiency. Also called: BTD deficiency; Late-onset biotin-responsive multiple carboxylase deficiency; Biotin deficiency. Identifiers: Orphanet 79241, MedGen C0220754, MONDO:0009665, OMIM 253260.

Allele frequency attached by ClinVar (database versions not stated): TOPMed 0.00001.
gnomAD v4.1: 32 of 1,614,040 alleles (0.002%); highest among the groups gnomAD compares: Non-Finnish European, 0.0027%; no homozygotes.

Submissions (5):

Ambry Genetics
Classification: Uncertain significance for Inborn genetic diseases. Last evaluated: 2025-04-11. Review status: criteria provided, single submitter. Criteria: Ambry Variant Classification Scheme 2023. Collection method: clinical testing. Allele origin: germline.

GeneDx
Classification: Uncertain significance. Last evaluated: 2023-08-14. Review status: criteria provided, single submitter. Criteria: GeneDx Variant Classification Process June 2021. Collection method: clinical testing. Allele origin: germline. Affected: yes.
Comment: In silico analysis supports that this missense variant has a deleterious effect on protein structure/function; Missense variants in nearby residues reported in the Human Gene Mutation Database (HGMD); Has not been previously published as pathogenic or benign to our knowledge; Not observed at significant frequency in large population cohorts (gnomAD)

Labcorp Genetics (formerly Invitae), Labcorp
Classification: Uncertain significance for Biotinidase deficiency. Last evaluated: 2023-02-18. Review status: criteria provided, single submitter. Criteria: Invitae Variant Classification Sherloc (09022015). Collection method: clinical testing. Allele origin: germline.
Comment: This sequence change replaces glycine, which is neutral and non-polar, with arginine, which is basic and polar, at codon 293 of the BTD protein (p.Gly293Arg). This variant is present in population databases (rs762757117, gnomAD 0.003%). This variant has not been reported in the literature in individuals affected with BTD-related conditions. ClinVar contains an entry for this variant (Variation ID: 429412). Advanced modeling of protein sequence and biophysical properties (such as structural, functional, and spatial information, amino acid conservation, physicochemical variation, residue mobility, and thermodynamic stability) performed at Invitae indicates that this missense variant is expected to disrupt BTD protein function. In summary, the available evidence is currently insufficient to determine the role of this variant in disease. Therefore, it has been classified as a Variant of Uncertain Significance.

CENTOGENE GmbH and LLC - Guiding Precision Medicine
Classification: Uncertain significance for Biotinidase deficiency. Last evaluated: 2020-11-18. Review status: criteria provided, single submitter. Criteria: ACMG Guidelines, 2015. Collection method: clinical testing. Allele origin: maternal. Affected: yes.

Natera, Inc.
Classification: Uncertain significance for Biotinidase deficiency. Last evaluated: 2021-01-16. Review status: no assertion criteria provided. Collection method: clinical testing. Allele origin: germline. Not counted in ClinVar's aggregate classification.